The following is an entry in ClinVar:

NM_005458.8(GABBR2):c.2338G>A (p.Val780Met)

Gene: GABBR2 (gamma-aminobutyric acid type B receptor subunit 2; minus strand). Cytogenetic location: 9q22.33.
Variant type: single nucleotide variant.
Coding change: c.2338G>A on transcript NM_005458.8 (MANE Select); coding-DNA position 2338, G replaced by A.
Protein change: p.Val780Met; replaces valine 780 with methionine.
Molecular consequence: missense variant.
Genome position (GRCh38, 1-based): chr9:98,303,315, C>T on the plus strand (G>A on the coding strand, the complement: GABBR2 is on the minus strand). VCF-style: chr9-98303315-C-T. GRCh37 (hg19) VCF-style: chr9-101065597-C-T.
Other names: short protein forms V780M.
Identifiers: ClinVar variation 2793933 (VCV002793933.3), dbSNP rs540784101, ClinGen allele CA374197504.

ClinVar aggregate classification (germline): Uncertain significance (1 of 4 stars; one submission).

Conditions:
Epileptic encephalopathy. Identifiers: MedGen C0543888, HP:0200134.

Allele frequency attached by ClinVar (database versions not stated): TOPMed 0.00001.

Submission:

Labcorp Genetics (formerly Invitae), Labcorp
Classification: Uncertain significance for Epileptic encephalopathy. Last evaluated: 2024-01-30. Review status: criteria provided, single submitter. Criteria: Invitae Variant Classification Sherloc (09022015). Collection method: clinical testing. Allele origin: germline.
Comment: This sequence change replaces valine, which is neutral and non-polar, with methionine, which is neutral and non-polar, at codon 780 of the GABBR2 protein (p.Val780Met). This variant is not present in population databases (gnomAD no frequency). This variant has not been reported in the literature in individuals affected with GABBR2-related conditions. Advanced modeling of protein sequence and biophysical properties (such as structural, functional, and spatial information, amino acid conservation, physicochemical variation, residue mobility, and thermodynamic stability) performed at Invitae indicates that this missense variant is not expected to disrupt GABBR2 protein function with a negative predictive value of 80%. In summary, the available evidence is currently insufficient to determine the role of this variant in disease. Therefore, it has been classified as a Variant of Uncertain Significance.